The following is an entry in ClinVar:

ClinVar aggregate classification (germline): Uncertain significance (1 of 4 stars; one submission).

Conditions:
Saldino-Mainzer syndrome (SRTD9). Also called: CONORENAL SYNDROME; SHORT-RIB THORACIC DYSPLASIA 9 WITHOUT POLYDACTYLY; short-rib thoracic dysplasia 9 with or without polydactyly; Renal dysplasia, retinal pigmentary dystrophy, cerebellar ataxia and skeletal dysplasia. Identifiers: Orphanet 140969, MedGen C1849437, MONDO:0009964, OMIM 266920.

Allele frequency attached by ClinVar (database versions not stated): gnomAD 0.00001.
gnomAD v4.1: 31 of 1,603,564 alleles (0.0019%); highest among the groups gnomAD compares: East Asian, 0.065%; no homozygotes.

Submission:

Labcorp Genetics (formerly Invitae), Labcorp
Classification: Uncertain significance for Saldino-Mainzer syndrome. Last evaluated: 2019-10-28. Review status: criteria provided, single submitter. Criteria: Invitae Variant Classification Sherloc (09022015). Collection method: clinical testing. Allele origin: germline.
Comment: This sequence change falls in intron 23 of the IFT140 gene. It does not directly change the encoded amino acid sequence of the IFT140 protein, but it affects a nucleotide within the consensus splice site of the intron. This variant is not present in population databases (ExAC no frequency). Nucleotide substitutions within the consensus splice site are a relatively common cause of aberrant splicing (PMID: 17576681, 9536098). Algorithms developed to predict the effect of sequence changes on RNA splicing suggest that this variant is not likely to affect RNA splicing, but this prediction has not been confirmed by published transcriptional studies. In summary, the available evidence is currently insufficient to determine the role of this variant in disease. Therefore, it has been classified as a Variant of Uncertain Significance. This variant has not been reported in the literature in individuals with IFT140-related conditions.

Literature cited by the submitters: PubMed 17576681; PubMed 9536098.

NM_014714.4(IFT140):c.2997+3A>G

Genes: IFT140 (intraflagellar transport 140; minus strand), LOC126862260 (CDK7 strongly-dependent group 2 enhancer GRCh37_chr16:1574508-1575707; plus strand). Cytogenetic location: 16p13.3.
Variant type: single nucleotide variant.
Coding change: c.2997+3A>G on transcript NM_014714.4 (MANE Select); 3 bases into the intron after coding-DNA position 2997, A replaced by G.
Molecular consequence: intron variant.
Genome position (GRCh38, 1-based): chr16:1,524,781, T>C on the plus strand (A>G on the coding strand, the complement: IFT140 is on the minus strand). VCF-style: chr16-1524781-T-C. GRCh37 (hg19) VCF-style: chr16-1574782-T-C.
Identifiers: ClinVar variation 968969 (VCV000968969.8), dbSNP rs2040628786, ClinGen allele CA1139664289.